The following is an entry in ClinVar:

ClinVar aggregate classification (germline): Uncertain significance. Review status: criteria provided, multiple submitters, no conflicts (2 of 4 stars). 2 submissions from 2 submitters: Uncertain significance (2). Last evaluated 2023-11-27.

Conditions:
Developmental and epileptic encephalopathy. Identifiers: MedGen C5779964, MONDO:0100620.
Inborn genetic diseases. Identifiers: MedGen C0950123, MeSH D030342.

Allele frequency attached by ClinVar (database versions not stated): gnomAD exomes below 0.00001 and 0.00001; TOPMed below 0.00001.
gnomAD v4.1: 1 of 1,563,358 alleles (0.000064%); highest among the groups gnomAD compares: Admixed American, 0.0019%; no homozygotes.

Submissions (2):

Labcorp Genetics (formerly Invitae), Labcorp
Classification: Uncertain significance for Early-infantile DEE. Last evaluated: 2023-11-27. Review status: criteria provided, single submitter. Criteria: Invitae Variant Classification Sherloc (09022015). Collection method: clinical testing. Allele origin: germline.
Comment: This sequence change replaces alanine, which is neutral and non-polar, with aspartic acid, which is acidic and polar, at codon 156 of the SLC25A22 protein (p.Ala156Asp). The frequency data for this variant in the population databases is considered unreliable, as metrics indicate poor data quality at this position in the gnomAD database. This variant has not been reported in the literature in individuals affected with SLC25A22-related conditions. ClinVar contains an entry for this variant (Variation ID: 1421265). An algorithm developed to predict the effect of missense changes on protein structure and function (PolyPhen-2) suggests that this variant¬†is likely to be tolerated. In summary, the available evidence is currently insufficient to determine the role of this variant in disease. Therefore, it has been classified as a Variant of Uncertain Significance.

Ambry Genetics
Classification: Uncertain significance for Inborn genetic diseases. Last evaluated: 2021-08-02. Review status: criteria provided, single submitter. Criteria: Ambry Variant Classification Scheme 2023. Collection method: clinical testing. Allele origin: germline.

NM_001191061.2(SLC25A22):c.467C>A (p.Ala156Asp)

Gene: SLC25A22 (solute carrier family 25 member 22; minus strand). Cytogenetic location: 11p15.5.
Variant type: single nucleotide variant.
Coding change: c.467C>A on transcript NM_001191061.2 (MANE Select); coding-DNA position 467, C replaced by A.
Protein change: p.Ala156Asp; replaces alanine 156 with aspartic acid.
Molecular consequence: missense variant.
Genome position (GRCh38, 1-based): chr11:792,673, G>T on the plus strand (C>A on the coding strand, the complement: SLC25A22 is on the minus strand). VCF-style: chr11-792673-G-T. GRCh37 (hg19) VCF-style: chr11-792673-G-T.
Other names: c.467C>A, p.Ala156Asp (NM_001191060.2, NM_024698.6); c.467C>A (NM_024698.5); short protein forms A156D.
Identifiers: ClinVar variation 1421265 (VCV001421265.9), dbSNP rs1353048193, ClinGen allele CA378969984.
Genomic context (GRCh38, chr11:792,673, plus strand): 5'-TCGCGGGTCAGCTGGGTGGCCGTGGGCCGAGGGGCAGCTGGAGCCTCCACTGAGGGCTGG[G>T]CACCCCCCTGGGCCGAGAGCTGGCCCTGGGCAGCCAGGATCTTCCTCTGGGCGGCTGGGG-3'
Protein context (NP_001177990.1, residues 146-166): AQGQLSAQGG[Ala156Asp]QPSVEAPAAP